The following is an entry in ClinVar:

ClinVar aggregate classification (germline): Uncertain significance. Review status: criteria provided, multiple submitters, no conflicts (2 of 4 stars). 4 submissions from 4 submitters: Uncertain significance (4). Last evaluated 2026-04-30.

Conditions:
IMPG2-related disorder. Also called: IMPG2-related condition.

Allele frequency attached by ClinVar (database versions not stated): gnomAD exomes 0.00001 and 0.00004; ExAC 0.00003; gnomAD 0.00006 and 0.00009; ESP Exome Variant Server 0.00008; TOPMed 0.00011; 1000 Genomes Project 30x 0.00078; 1000 Genomes Project 0.00080.
gnomAD v4.1: 30 of 1,613,926 alleles (0.0019%); highest among the groups gnomAD compares: African/African-American, 0.028%; no homozygotes.

Submissions (4):

PreventionGenetics, part of Exact Sciences
Classification: Uncertain significance for IMPG2-related condition. Last evaluated: 2026-04-30. Review status: criteria provided, single submitter. Criteria: ACMG Guidelines, 2015. Collection method: clinical testing. Allele origin: germline.
Comment: The IMPG2 c.2614G>A variant is predicted to result in the amino acid substitution p.Val872Ile. To our knowledge, this variant has not been reported in the literature. This variant is reported in 0.032% of alleles in individuals of African descent in gnomAD. At this time, the clinical significance of this variant is uncertain due to the absence of conclusive functional and genetic evidence.

Labcorp Genetics (formerly Invitae), Labcorp
Classification: Uncertain significance. Last evaluated: 2025-07-28. Review status: criteria provided, single submitter. Criteria: Invitae Variant Classification Sherloc (09022015). Collection method: clinical testing. Allele origin: germline.
Comment: This sequence change replaces valine, which is neutral and non-polar, with isoleucine, which is neutral and non-polar, at codon 872 of the IMPG2 protein (p.Val872Ile). This variant is present in population databases (rs144558979, gnomAD 0.03%). This variant has not been reported in the literature in individuals affected with IMPG2-related conditions. ClinVar contains an entry for this variant (Variation ID: 391254). Invitae Evidence Modeling of protein sequence and biophysical properties (such as structural, functional, and spatial information, amino acid conservation, physicochemical variation, residue mobility, and thermodynamic stability) indicates that this missense variant is not expected to disrupt IMPG2 protein function with a negative predictive value of 80%. In summary, the available evidence is currently insufficient to determine the role of this variant in disease. Therefore, it has been classified as a Variant of Uncertain Significance.

Blueprint Genetics
Classification: Uncertain significance. Last evaluated: 2022-06-22. Review status: criteria provided, single submitter. Criteria: ACMG Guidelines, 2015. Collection method: clinical testing. Allele origin: germline.

GeneDx
Classification: Uncertain significance. Last evaluated: 2016-12-19. Review status: criteria provided, single submitter. Criteria: GeneDx Variant Classification (06012015). Collection method: clinical testing. Allele origin: germline. Affected: yes.
Comment: The V872I variant in the IMPG2 gene has not been reported previously as a pathogenic variant, nor as a benign variant, to our knowledge. The V872I variant was not observed with any significant frequency in approximately 6,500 individuals of European and African American ancestry in the NHLBI Exome Sequencing Project, indicating it is not a common benign variant in these populations. The V872I variant is a conservative amino acid substitution, which is not likely to impact secondary protein structure as these residues share similar properties. This substitution occurs at a position that is not conserved, and in silico analysis predicts this variant likely does not alter the protein structure/function. We interpret V872I as a variant of uncertain significance.

NM_016247.4(IMPG2):c.2614G>A (p.Val872Ile)

Gene: IMPG2 (interphotoreceptor matrix proteoglycan 2; minus strand). Cytogenetic location: 3q12.3.
Variant type: single nucleotide variant.
Coding change: c.2614G>A on transcript NM_016247.4 (MANE Select); coding-DNA position 2614, G replaced by A.
Protein change: p.Val872Ile; replaces valine 872 with isoleucine.
Molecular consequence: missense variant.
Genome position (GRCh38, 1-based): chr3:101,243,717, C>T on the plus strand (G>A on the coding strand, the complement: IMPG2 is on the minus strand). VCF-style: chr3-101243717-C-T. GRCh37 (hg19) VCF-style: chr3-100962561-C-T.
Other names: short protein forms V872I.
Identifiers: ClinVar variation 391254 (VCV000391254.11), dbSNP rs144558979, ClinGen allele CA2518941.